The following is an entry in ClinVar:

ClinVar aggregate classification (germline): Pathogenic (1 of 4 stars; one submission).

Conditions:
DICER1-related tumor predisposition. Also called: DICER1 syndrome; DICER1-related pleuropulmonary blastoma cancer predisposition syndrome. Identifiers: Orphanet 284343, MedGen C3839822, MONDO:0100216.

Submission:

Labcorp Genetics (formerly Invitae), Labcorp
Classification: Pathogenic for DICER1-related tumor predisposition. Last evaluated: 2019-09-05. Review status: criteria provided, single submitter. Criteria: Invitae Variant Classification Sherloc (09022015). Collection method: clinical testing. Allele origin: germline.
Comment: This sequence change creates a premature translational stop signal (p.Asp940*) in the DICER1 gene. It is expected to result in an absent or disrupted protein product. For these reasons, this variant has been classified as Pathogenic. Loss-of-function variants in DICER1 are known to be pathogenic (PMID: 19556464, 21266384). This variant has not been reported in the literature in individuals with DICER1-related conditions. This variant is not present in population databases (ExAC no frequency).

Literature cited by the submitters: PubMed 19556464; PubMed 21266384.

NM_177438.3(DICER1):c.2817dup (p.Asp940Ter)

Gene: DICER1 (dicer 1, ribonuclease III; minus strand). Cytogenetic location: 14q32.13.
Variant type: Duplication.
Coding change: c.2817dup on transcript NM_177438.3 (MANE Select); coding-DNA position 2817, one base duplicated (T; older notation c.2817dupT).
Protein change: p.Asp940Ter; replaces aspartic acid 940 with a stop codon.
Molecular consequence: nonsense.
Genome position (GRCh38, 1-based): chr14:95,106,211, A duplicated on the plus strand (T on the coding strand, the reverse complement: DICER1 is on the minus strand); the first of 4 consecutive A bases (chr14:95,106,211-95,106,214); duplicating any one gives the same sequence. VCF-style (leftmost placement, unchanged base first): chr14-95106210-C-CA. GRCh37 (hg19) VCF-style: chr14-95572547-C-CA.
Other names: c.2817dup, p.Asp940Ter (NM_001195573.1, NM_001271282.3, NM_001291628.2 and 1 more transcripts); short protein forms D940*.
Identifiers: ClinVar variation 935921 (VCV000935921.9), dbSNP rs1891412150, ClinGen allele CA1139663652.